The following is an entry in ClinVar:

NM_032119.4(ADGRV1):c.1295A>G (p.Asn432Ser)

Gene: ADGRV1 (adhesion G protein-coupled receptor V1; plus strand). Cytogenetic location: 5q14.3.
Variant type: single nucleotide variant.
Coding change: c.1295A>G on transcript NM_032119.4 (MANE Select); coding-DNA position 1295, A replaced by G.
Protein change: p.Asn432Ser; replaces asparagine 432 with serine.
Molecular consequence: missense variant. On other transcripts: non-coding transcript variant (1).
Genome position (GRCh38, 1-based): chr5:90,628,618, A>G. VCF-style: chr5-90628618-A-G. GRCh37 (hg19) VCF-style: chr5-89924435-A-G.
Other names: short protein forms N432S.
Identifiers: ClinVar variation 4874955 (VCV004874955.2).

ClinVar aggregate classification (germline): Uncertain significance (1 of 4 stars; one submission).

gnomAD v4.1: 30 of 1,613,754 alleles (0.0019%); highest among the groups gnomAD compares: Non-Finnish European, 0.0024%; no homozygotes.

Submission:

CeGaT Center for Human Genetics Tuebingen
Classification: Uncertain significance. Last evaluated: 2026-05-01. Review status: criteria provided, single submitter. Criteria: CeGaT Center For Human Genetics Tuebingen Variant Classification Criteria Version 2. Collection method: clinical testing. Allele origin: germline. Affected: yes. Observed: 1 variant allele.
Comment: ADGRV1: PM2, BP4